The following is an entry in ClinVar:

NM_019888.3(MC3R):c.520G>A (p.Val174Ile)

Gene: MC3R (melanocortin 3 receptor; plus strand). Cytogenetic location: 20q13.2.
Variant type: single nucleotide variant.
Coding change: c.520G>A on transcript NM_019888.3 (MANE Select); coding-DNA position 520, G replaced by A.
Protein change: p.Val174Ile; replaces valine 174 with isoleucine.
Molecular consequence: missense variant.
Genome position (GRCh38, 1-based): chr20:56,249,363, G>A. VCF-style: chr20-56249363-G-A. GRCh37 (hg19) VCF-style: chr20-54824419-G-A.
Other names: short protein forms V174I.
Identifiers: ClinVar variation 3633793 (VCV003633793.3).

ClinVar aggregate classification (germline): Uncertain significance. Review status: criteria provided, multiple submitters, no conflicts (2 of 4 stars). 2 submissions from 2 submitters: Uncertain significance (2). Last evaluated 2026-09-17.

Conditions:
MC3R-related disorder. Also called: MC3R-related condition.

Submissions (2):

PreventionGenetics, part of Exact Sciences
Classification: Uncertain significance for MC3R-related condition. Last evaluated: 2026-09-17. Review status: criteria provided, single submitter. Criteria: ACMG Guidelines, 2015. Collection method: clinical testing. Allele origin: germline.
Comment: The MC3R c.520G>A variant is predicted to result in the amino acid substitution p.Val174Ile. This variant was reported in an individual with severe early-onset obesity, but no conclusive evidence for functional impairment of the mutated receptor with this variant was established in the functional studies (reported as V211I in Zegers et al. 2011. PubMed ID: 20539302). This variant has not been reported in a large population database (gnomAD), indicating this variant is rare. Of note, the p.Val174 residue is weakly conserved and at this position is an isoleucine (Ile) in many species. Although we suspect that this variant may be benign, at this time, the clinical significance of this variant is uncertain due to the absence of conclusive functional and genetic evidence.

Labcorp Genetics (formerly Invitae), Labcorp
Classification: Uncertain significance. Last evaluated: 2024-02-02. Review status: criteria provided, single submitter. Criteria: Invitae Variant Classification Sherloc (09022015). Collection method: clinical testing. Allele origin: germline.
Comment: This sequence change replaces valine, which is neutral and non-polar, with isoleucine, which is neutral and non-polar, at codon 174 of the MC3R protein (p.Val174Ile). This variant is not present in population databases (gnomAD no frequency). This missense change has been observed in individual(s) with childhood obesity (PMID: 20539302). Algorithms developed to predict the effect of missense changes on protein structure and function output the following: SIFT: "Not Available"; PolyPhen-2: "Benign"; Align-GVGD: "Not Available". The isoleucine amino acid residue is found in multiple mammalian species, which suggests that this missense change does not adversely affect protein function. Experimental studies have shown that this missense change affects MC3R function (PMID: 20539302). In summary, the available evidence is currently insufficient to determine the role of this variant in disease. Therefore, it has been classified as a Variant of Uncertain Significance.

Literature cited by the submitters: PubMed 20539302 (cited by Labcorp Genetics (formerly Invitae), Labcorp).